The following is an entry in ClinVar:

NM_014244.5(ADAMTS2):c.1488C>T (p.Phe496=)

Gene: ADAMTS2 (ADAM metallopeptidase with thrombospondin type 1 motif 2; minus strand). Cytogenetic location: 5q35.3.
Variant type: single nucleotide variant.
Coding change: c.1488C>T on transcript NM_014244.5 (MANE Select); coding-DNA position 1488, C replaced by T.
Protein change: p.Phe496=; no amino-acid change (phenylalanine 496 retained).
Molecular consequence: synonymous variant.
Genome position (GRCh38, 1-based): chr5:179,153,518, G>A on the plus strand (C>T on the coding strand, the complement: ADAMTS2 is on the minus strand). VCF-style: chr5-179153518-G-A. GRCh37 (hg19) VCF-style: chr5-178580519-G-A.
Other names: p.Phe496=; c.1488C>T, p.Phe496= (NM_021599.4).
Identifiers: ClinVar variation 381211 (VCV000381211.73), dbSNP rs147438064, ClinGen allele CA3595902.

ClinVar aggregate classification (germline): Benign/Likely benign. Review status: criteria provided, multiple submitters, no conflicts (2 of 4 stars). 11 submissions from 11 submitters: Benign (2); Likely benign (6). 3 of the submissions do not count toward it. Last evaluated 2026-09-01.

Conditions:
Ehlers-Danlos syndrome, dermatosparaxis type. Also called: Dermatosparaxis; Ehlers-Danlos syndrome, type VII, autosomal recessive; EDS VIIC. Identifiers: Orphanet 1901, MedGen C2700425, MONDO:0009161, OMIM 225410.
Ehlers-Danlos syndrome (EDS). Identifiers: Orphanet 98249, MedGen C0013720, MONDO:0020066.

Allele frequency attached by ClinVar (database versions not stated): 1000 Genomes Project 30x 0.00094; 1000 Genomes Project 0.00100; TOPMed 0.00155; gnomAD 0.00178 and 0.00184; ESP Exome Variant Server 0.00223; ExAC 0.00239.
gnomAD v4.1: 4,396 of 1,610,534 alleles (0.27%); highest among the groups gnomAD compares: Non-Finnish European, 0.34%; 9 homozygotes.

Submissions (11):

CeGaT Center for Human Genetics Tuebingen
Classification: Likely benign. Last evaluated: 2026-09-01. Review status: criteria provided, single submitter. Criteria: CeGaT Center For Human Genetics Tuebingen Variant Classification Criteria Version 2. Collection method: clinical testing. Allele origin: germline. Affected: yes. Observed: 9 variant alleles.
Comment: ADAMTS2: BP4, BP7

Labcorp Genetics (formerly Invitae), Labcorp
Classification: Benign for Ehlers-Danlos syndrome, dermatosparaxis type. Last evaluated: 2026-02-04. Review status: criteria provided, single submitter. Criteria: Invitae Variant Classification Sherloc (09022015). Collection method: clinical testing. Allele origin: germline.

Mayo Clinic Laboratories, Mayo Clinic
Classification: Benign. Last evaluated: 2025-04-16. Review status: criteria provided, single submitter. Criteria: ACMG Guidelines, 2015. Collection method: clinical testing. Allele origin: germline. Observed: 31 variant alleles.
Comment: BS1, BS2, BP4, BP7

Blueprint Genetics
Classification: Likely benign. Last evaluated: 2024-11-23. Review status: criteria provided, single submitter. Criteria: ACMG Guidelines, 2015. Collection method: clinical testing. Allele origin: germline.

Women's Health and Genetics/Laboratory Corporation of America, LabCorp
Classification: Likely benign. Last evaluated: 2022-08-15. Review status: criteria provided, single submitter. Criteria: LabCorp Variant Classification Summary - May 2015. Collection method: clinical testing. Allele origin: germline.

GeneDx
Classification: Likely benign. Last evaluated: 2021-04-19. Review status: criteria provided, single submitter. Criteria: GeneDx Variant Classification Process June 2021. Collection method: clinical testing. Allele origin: germline. Affected: yes.

Genome Diagnostics Laboratory, The Hospital for Sick Children
Classification: Likely benign for Ehlers-Danlos syndrome. Last evaluated: 2021-03-19. Review status: criteria provided, single submitter. Criteria: ACMG Guidelines, 2015. Collection method: clinical testing. Allele origin: germline.

Illumina Laboratory Services, Illumina
Classification: Likely benign for Ehlers-Danlos syndrome, dermatosparaxis type. Last evaluated: 2018-01-12. Review status: criteria provided, single submitter. Criteria: ICSL Variant Classification Criteria 13 December 2019. Collection method: clinical testing. Allele origin: germline.
Comment: This variant was observed in the ICSL laboratory as part of a predisposition screen in an ostensibly healthy population. It had not been previously curated by ICSL or reported in the Human Gene Mutation Database (HGMD: prior to June 1st, 2018), and was therefore a candidate for classification through an automated scoring system. Utilizing variant allele frequency, disease prevalence and penetrance estimates, and inheritance mode, an automated score was calculated to assess if this variant is too frequent to cause the disease. Based on the score and internal cut-off values, a variant classified as likely benign is not then subjected to further curation. The score for this variant resulted in a classification of likely benign for this disease.

Natera, Inc.
Classification: Benign for Ehlers-Danlos syndrome type VIIC. Last evaluated: 2019-10-21. Review status: no assertion criteria provided. Collection method: clinical testing. Allele origin: germline. Not counted in ClinVar's aggregate classification.

Clinical Genetics DNA and cytogenetics Diagnostics Lab, Erasmus MC, Erasmus Medical Center
Classification: Likely benign. Review status: no assertion criteria provided. Collection method: clinical testing. Allele origin: germline. Affected: yes. Study: VKGL Data-share Consensus. Not counted in ClinVar's aggregate classification.

Genome Diagnostics Laboratory, Amsterdam University Medical Center
Classification: Likely benign. Review status: no assertion criteria provided. Collection method: clinical testing. Allele origin: germline. Affected: yes. Study: VKGL Data-share Consensus. Not counted in ClinVar's aggregate classification.